The following is an entry in ClinVar:

NM_001363711.2(DUOX2):c.505del (p.Arg169fs)

Gene: DUOX2 (dual oxidase 2; minus strand). Cytogenetic location: 15q21.1.
Variant type: Deletion.
Coding change: c.505del on transcript NM_001363711.2 (MANE Select); coding-DNA position 505, one base deleted (C; older notation c.505delC).
Protein change: p.Arg169fs; shifts the reading frame from arginine 169.
Molecular consequence: frameshift variant.
Genome position (GRCh38, 1-based): chr15:45,111,776, G deleted on the plus strand (C on the coding strand, the reverse complement: DUOX2 is on the minus strand); the first of 5 consecutive G bases (chr15:45,111,776-45,111,780); deleting any one gives the same sequence. VCF-style (leftmost placement, unchanged base first): chr15-45111775-CG-C. GRCh37 (hg19) VCF-style: chr15-45403973-CG-C.
Other names: c.505del, p.Arg169fs (NM_014080.5); short protein forms R169fs.
Identifiers: ClinVar variation 2710748 (VCV002710748.3), dbSNP rs2504785531, ClinGen allele CA2628244010.

ClinVar aggregate classification (germline): Pathogenic (1 of 4 stars; one submission).

Submission:

Labcorp Genetics (formerly Invitae), Labcorp
Classification: Pathogenic. Last evaluated: 2024-01-22. Review status: criteria provided, single submitter. Criteria: Invitae Variant Classification Sherloc (09022015). Collection method: clinical testing. Allele origin: germline.
Comment: This sequence change creates a premature translational stop signal (p.Arg169Glyfs*7) in the DUOX2 gene. It is expected to result in an absent or disrupted protein product. Loss-of-function variants in DUOX2 are known to be pathogenic (PMID: 12110737, 18765513, 21565790, 24423310, 24735383). This variant is not present in population databases (gnomAD no frequency). This variant has not been reported in the literature in individuals affected with DUOX2-related conditions. For these reasons, this variant has been classified as Pathogenic.

Literature cited by the submitters: PubMed 12110737; PubMed 18765513; PubMed 21565790; PubMed 24423310; PubMed 24735383.